The following is an entry in ClinVar:

NM_032638.5(GATA2):c.564G>A (p.Thr188=)

Gene: GATA2 (GATA binding protein 2; minus strand). Cytogenetic location: 3q21.3.
Variant type: single nucleotide variant.
Coding change: c.564G>A on transcript NM_032638.5 (MANE Select); coding-DNA position 564, G replaced by A.
Protein change: p.Thr188=; no amino-acid change (threonine 188 retained).
Molecular consequence: synonymous variant.
Genome position (GRCh38, 1-based): chr3:128,486,034, C>T on the plus strand (G>A on the coding strand, the complement: GATA2 is on the minus strand). VCF-style: chr3-128486034-C-T. GRCh37 (hg19) VCF-style: chr3-128204877-C-T.
Other names: c.564G>A, p.Thr188= (NM_001145661.2, NM_001145662.1); c.564G>A (NM_032638.4).
Identifiers: ClinVar variation 1143594 (VCV001143594.10), dbSNP rs34870876, ClinGen allele CA2600003.
Genomic context (GRCh38, chr3:128,486,034, plus strand): 5'-CTTGTCCTCTCCTCGGGCTGCACTACCCCCCGCGGAAGATGAGGCTGGAGACGCAGCCCC[C>T]GTGGTGCTAGGGTCAGGAGACACTTCTTTGGGTGGCGTGGGTGGGAAGCCGAAAAGGTGG-3'
Protein context (NP_116027.2, residues 178-198): PKEVSPDPST[Thr188=]GAASPASSSA

ClinVar aggregate classification (germline): Conflicting classifications of pathogenicity. Review status: criteria provided, conflicting classifications (1 of 4 stars). 2 submissions from 2 submitters: Uncertain significance (1); Likely benign (1). Last evaluated 2024-12-18.

Conditions:
Inborn genetic diseases. Identifiers: MedGen C0950123, MeSH D030342.
Deafness-lymphedema-leukemia syndrome. Also called: Lymphedema, primary, with myelodysplasia; Emberger syndrome. Identifiers: Orphanet 3226, MedGen C3279664, MONDO:0013540, OMIM 614038.
Monocytopenia with susceptibility to infections. Also called: MONOCYTOPENIA AND MYCOBACTERIAL INFECTION SYNDROME; MONOCYTOPENIA WITH SUSCEPTIBILITY TO MYCOBACTERIAL, FUNGAL, AND PAPILLOMAVIRUS INFECTIONS AND MYELODYSPLASIA; COMBINED IMMUNODEFICIENCY WITH SUSCEPTIBILITY TO MYCOBACTERIAL, VIRAL, AND FUNGAL INFECTIONS; Dendritic cell, monocyte, B lymphocyte, and natural killer lymphocyte deficiency; IMMUNODEFICIENCY 21; GATA2 DEFICIENCY. Identifiers: Orphanet 228423, MedGen C3280030, MONDO:0013607, OMIM 614172.

gnomAD v4.1: 3 of 1,605,506 alleles (0.00019%); highest among the groups gnomAD compares: Admixed American, 0.0033%; no homozygotes.

Submissions (2):

Ambry Genetics
Classification: Uncertain significance for Inborn genetic diseases. Last evaluated: 2024-12-18. Review status: criteria provided, single submitter. Criteria: Ambry Variant Classification Scheme 2023. Collection method: clinical testing. Allele origin: germline.
Comment: The c.564G>A variant (also known as p.T188T), located in coding exon 2 of the GATA2 gene, results from a G to A substitution at nucleotide position 564. This nucleotide substitution does not change the threonine at codon 188. This nucleotide position is poorly conserved in available vertebrate species. In silico splice site analysis predicts that this alteration may result in the creation or strengthening of a novel splice acceptor site; however, direct evidence is insufficient at this time (Ambry internal data). Based on the available evidence, the clinical significance of this variant remains unclear.

Labcorp Genetics (formerly Invitae), Labcorp
Classification: Likely benign for Monocytopenia with susceptibility to infections; Deafness-lymphedema-leukemia syndrome. Last evaluated: 2023-04-22. Review status: criteria provided, single submitter. Criteria: Invitae Variant Classification Sherloc (09022015). Collection method: clinical testing. Allele origin: germline.